The following is an entry in ClinVar:

NM_016139.4(CHCHD2):c.399C>T (p.Leu133=)

Gene: CHCHD2 (coiled-coil-helix-coiled-coil-helix domain containing 2; minus strand). Cytogenetic location: 7p11.2.
Variant type: single nucleotide variant.
Coding change: c.399C>T on transcript NM_016139.4 (MANE Select); coding-DNA position 399, C replaced by T.
Protein change: p.Leu133=; no amino-acid change (leucine 133 retained).
Molecular consequence: synonymous variant.
Genome position (GRCh38, 1-based): chr7:56,102,913, G>A on the plus strand (C>T on the coding strand, the complement: CHCHD2 is on the minus strand). VCF-style: chr7-56102913-G-A. GRCh37 (hg19) VCF-style: chr7-56170606-G-A.
Other names: c.399C>T, p.Leu133= (NM_001320327.2).
Identifiers: ClinVar variation 3040964 (VCV003040964.2), dbSNP rs535568444, ClinGen allele CA4270505.
Genomic context (GRCh38, chr7:56,102,913, plus strand): 5'-GACAAATTACCTACCGTTTGCAAGTCGGCACTGTTTCAGCACCTCATTGAAACCCTCACA[G>A]AGCTTGATGTCACCCTGGTTCTGGGCACACTCCAGAAACTGTTTGATCTCATAGAGGCAA-3'
Protein context (NP_057223.1, residues 123-143): ECAQNQGDIK[Leu133=]CEGFNEVLKQ

ClinVar aggregate classification (germline): Likely benign (0 of 4 stars; one submission).

Conditions:
CHCHD2-related disorder. Also called: CHCHD2-related condition.

Allele frequency attached by ClinVar (database versions not stated): TOPMed below 0.00001; gnomAD exomes 0.00002; ExAC 0.00006; 1000 Genomes Project 30x 0.00031; 1000 Genomes Project 0.00040.

Submission:

PreventionGenetics, part of Exact Sciences
Classification: Likely benign for CHCHD2-related condition. Last evaluated: 2021-08-12. Review status: no assertion criteria provided. Collection method: clinical testing. Allele origin: germline.
Comment: This variant is classified as likely benign based on ACMG/AMP sequence variant interpretation guidelines (Richards et al. 2015 PMID: 25741868, with internal and published modifications).